The following is an entry in ClinVar:

NM_000516.7(GNAS):c.258-1G>A

Gene: GNAS (GNAS complex locus; plus strand). Cytogenetic location: 20q13.32.
Variant type: single nucleotide variant.
Coding change: c.258-1G>A on transcript NM_000516.7 (MANE Select); the canonical splice acceptor site of the intron before coding-DNA position 258, G replaced by A.
Molecular consequence: splice acceptor variant. On other transcripts: missense variant (2), 3 prime UTR variant (1).
Genome position (GRCh38, 1-based): chr20:58,903,530, G>A. VCF-style: chr20-58903530-G-A. GRCh37 (hg19) VCF-style: chr20-57478585-G-A.
Other names: c.260G>A, p.Ser87Asn (NM_001077488.5); c.*163G>A (NM_016592.5); c.215G>A, p.Ser72Asn (NM_080426.4); c.162-1G>A (NM_001410912.1); c.81-1G>A (NM_001309861.2, NM_001309840.2); c.*119-1G>A (NM_001077490.3); c.2187-1G>A (NM_080425.4); c.2142-1G>A (NM_001410913.1); and 1 more; short protein forms S72N, S87N.
Identifiers: ClinVar variation 3897324 (VCV003897324.1).

ClinVar aggregate classification (germline): Pathogenic (1 of 4 stars; one submission).

Submission:

GeneDx
Classification: Pathogenic. Last evaluated: 2024-10-31. Review status: criteria provided, single submitter. Criteria: GeneDx Variant Classification Process June 2021. Collection method: clinical testing. Allele origin: germline. Affected: yes.
Comment: Canonical splice site variant predicted to result in a null allele in a gene for which loss of function is a known mechanism of disease; Not observed at significant frequency in large population cohorts (gnomAD); This variant is associated with the following publications: (PMID: 37393044)